The following is an entry in ClinVar:

NM_001374828.1(ARID1B):c.7069del (p.Leu2357fs)

Gene: ARID1B (AT-rich interaction domain 1B; plus strand). Cytogenetic location: 6q25.3.
Variant type: Deletion.
Coding change: c.7069del on transcript NM_001374828.1 (MANE Select); coding-DNA position 7069, one base deleted (C; older notation c.7069delC).
Protein change: p.Leu2357fs; shifts the reading frame from leucine 2357.
Molecular consequence: frameshift variant.
Genome position (GRCh38, 1-based): chr6:157,207,841, C deleted. VCF-style (leftmost placement, unchanged base first): chr6-157207840-TC-T. GRCh37 (hg19) VCF-style: chr6-157528974-TC-T.
Other names: c.6700del, p.Leu2234fs (NM_020732.3); c.6700delC (NM_020732.3); c.4570del, p.Leu1524fs (NM_001363725.2); c.6949del, p.Leu2317fs (NM_001371656.1, NM_001374820.1); c.6910del, p.Leu2304fs (NM_017519.3); short protein forms L1524fs, L2234fs, L2304fs, L2317fs, L2357fs.
Identifiers: ClinVar variation 560954 (VCV000560954.3), dbSNP rs1562355401, ClinGen allele CA658821250.
Genomic context (GRCh38, chr6:157,207,840, plus strand): 5'-GGAATTCCTTTTGCACGAGGGCCGGTTGCTGGATATCTCGATATCAGCTGTCCTGAACTC[TC>T]TGGTTGCATCTGTCATCTGTGATGTACTGTTTCAGATTGGGCAGTTATGACATAAGTGAG-3'

ClinVar aggregate classification (germline): Pathogenic. Review status: criteria provided, single submitter (1 of 4 stars). 2 submissions from 1 submitter: Pathogenic (2). Last evaluated 2021-06-10.

Conditions:
ARID1B-related BAFopathy.
Coffin-Siris syndrome 1 (CSS1). Also called: Mental retardation, autosomal dominant 12; ARID1B-Related Coffin-Siris Syndrome. Identifiers: Orphanet 1465, MedGen C3281201, MONDO:0007617, OMIM 135900. Disease mechanism: gain of function.

Submissions (2):

Baylor Genetics
Classification: Pathogenic for ARID1B-related BAFopathy. Last evaluated: 2021-06-10. Review status: criteria provided, single submitter. Criteria: ACMG Guidelines, 2015. Collection method: clinical testing. Allele origin: de novo. Affected: yes.

Baylor Genetics
Classification: Pathogenic for Coffin-Siris syndrome 1. Last evaluated: 2017-09-01. Review status: criteria provided, single submitter. Criteria: ACMG Guidelines, 2015. Collection method: clinical testing. Allele origin: de novo. Inheritance: Autosomal dominant inheritance. Affected: yes.
Comment: This frameshift mutation is categorized as deleterious according to ACMG guidelines (PMID:18414213).

Literature cited by the submitters: PubMed 25326635.